The following is an entry in ClinVar:

NM_033305.3(VPS13A):c.1883G>A (p.Arg628His)

Gene: VPS13A (vacuolar protein sorting 13 homolog A; plus strand). Cytogenetic location: 9q21.2.
Variant type: single nucleotide variant.
Coding change: c.1883G>A on transcript NM_033305.3 (MANE Select); coding-DNA position 1883, G replaced by A.
Protein change: p.Arg628His; replaces arginine 628 with histidine.
Molecular consequence: missense variant.
Genome position (GRCh38, 1-based): chr9:77,238,369, G>A. VCF-style: chr9-77238369-G-A. GRCh37 (hg19) VCF-style: chr9-79853285-G-A.
Other names: c.1883G>A, p.Arg628His (NM_001018037.2, NM_001018038.3, NM_015186.4); short protein forms R628H.
Identifiers: ClinVar variation 1494753 (VCV001494753.8), dbSNP rs765358211, ClinGen allele CA373848029.

ClinVar aggregate classification (germline): Uncertain significance (1 of 4 stars; one submission).

Submission:

Labcorp Genetics (formerly Invitae), Labcorp
Classification: Uncertain significance. Last evaluated: 2021-03-23. Review status: criteria provided, single submitter. Criteria: Invitae Variant Classification Sherloc (09022015). Collection method: clinical testing. Allele origin: germline.
Comment: Algorithms developed to predict the effect of missense changes on protein structure and function are either unavailable or do not agree on the potential impact of this missense change (SIFT: "Tolerated"; PolyPhen-2: "Probably Damaging"; Align-GVGD: "Class C0"). This variant has not been reported in the literature in individuals with VPS13A-related conditions. This variant is not present in population databases (ExAC no frequency). This sequence change replaces arginine with histidine at codon 628 of the VPS13A protein (p.Arg628His). The arginine residue is moderately conserved and there is a small physicochemical difference between arginine and histidine. In summary, the available evidence is currently insufficient to determine the role of this variant in disease. Therefore, it has been classified as a Variant of Uncertain Significance.